The following is an entry in ClinVar:

NM_001291415.2(KDM6A):c.703G>C (p.Glu235Gln)

Gene: KDM6A (lysine demethylase 6A; plus strand). Cytogenetic location: Xp11.3.
Variant type: single nucleotide variant.
Coding change: c.703G>C on transcript NM_001291415.2 (MANE Select); coding-DNA position 703, G replaced by C.
Protein change: p.Glu235Gln; replaces glutamic acid 235 with glutamine.
Molecular consequence: missense variant. On other transcripts: 5 prime UTR variant (1), non-coding transcript variant (1).
Genome position (GRCh38, 1-based): chrX:45,051,757, G>C. VCF-style: chrX-45051757-G-C. GRCh37 (hg19) VCF-style: chrX-44911002-G-C.
Other names: c.703G>C, p.Glu235Gln (NM_001291416.2, NM_001291417.2, NM_001291418.2 and 9 more transcripts); c.-51G>C (NM_001291421.2); short protein forms E235Q.
Identifiers: ClinVar variation 3364483 (VCV003364483.2).
Genomic context (GRCh38, chrX:45,051,757, plus strand): 5'-TCTGTTCTTTAGAGGAAATATCATTCTGCAAAAGAAGCTTATGAACAACTTTTGCAGACA[G>C]AGAATCTTTCTGCACAAGTAAAAGCAACTGTCTTACAACAGTTAGGTATGTAATAGTATA-3'
Protein context (NP_001278344.1, residues 225-245): KEAYEQLLQT[Glu235Gln]NLSAQVKATV

ClinVar aggregate classification (germline): Uncertain significance (1 of 4 stars; one submission).

gnomAD v4.1: 5 of 1,191,949 alleles (0.00042%); highest among the groups gnomAD compares: Non-Finnish European, 0.00057%; no homozygotes.

Submission:

GeneDx
Classification: Uncertain significance. Last evaluated: 2026-06-18. Review status: criteria provided, single submitter. Criteria: GeneDx Variant Classification Process June 2021. Collection method: clinical testing. Allele origin: germline.
Comment: Not observed at significant frequency in large population cohorts (gnomAD); In silico analysis supports that this missense variant has a deleterious effect on protein structure/function; Has not been previously published as pathogenic or benign to our knowledge